The following is an entry in ClinVar:

NM_002439.5(MSH3):c.2080G>T (p.Ala694Ser)

Gene: MSH3 (mutS homolog 3; plus strand). Cytogenetic location: 5q14.1.
Variant type: single nucleotide variant.
Coding change: c.2080G>T on transcript NM_002439.5 (MANE Select); coding-DNA position 2080, G replaced by T.
Protein change: p.Ala694Ser; replaces alanine 694 with serine.
Molecular consequence: missense variant.
Genome position (GRCh38, 1-based): chr5:80,768,116, G>T. VCF-style: chr5-80768116-G-T. GRCh37 (hg19) VCF-style: chr5-80063935-G-T.
Other names: c.2080G>T (NM_002439.3); short protein forms A694S.
Identifiers: ClinVar variation 1051088 (VCV001051088.10), dbSNP rs2112884572, ClinGen allele CA360277997.

ClinVar aggregate classification (germline): Uncertain significance. Review status: criteria provided, multiple submitters, no conflicts (2 of 4 stars). 2 submissions from 2 submitters: Uncertain significance (2). Last evaluated 2023-11-29.

Conditions:
Hereditary cancer-predisposing syndrome. Also called: Tumor predisposition; Hereditary neoplastic syndrome; Hereditary Cancer Syndrome; Neoplastic Syndromes, Hereditary. Identifiers: Orphanet 140162, MedGen C0027672, MeSH D009386, MONDO:0015356.

Submissions (2):

Ambry Genetics
Classification: Uncertain significance for Hereditary cancer-predisposing syndrome. Last evaluated: 2023-11-29. Review status: criteria provided, single submitter. Criteria: Ambry Variant Classification Scheme 2023. Collection method: clinical testing. Allele origin: germline.
Comment: The p.A694S variant (also known as c.2080G>T), located in coding exon 14 of the MSH3 gene, results from a G to T substitution at nucleotide position 2080. The alanine at codon 694 is replaced by serine, an amino acid with similar properties. This amino acid position is conserved. In addition, the in silico prediction for this alteration is inconclusive. Since supporting evidence is limited at this time, the clinical significance of this alteration remains unclear.

Labcorp Genetics (formerly Invitae), Labcorp
Classification: Uncertain significance. Last evaluated: 2023-02-04. Review status: criteria provided, single submitter. Criteria: Invitae Variant Classification Sherloc (09022015). Collection method: clinical testing. Allele origin: germline.
Comment: ClinVar contains an entry for this variant (Variation ID: 1051088). In summary, the available evidence is currently insufficient to determine the role of this variant in disease. Therefore, it has been classified as a Variant of Uncertain Significance. Algorithms developed to predict the effect of missense changes on protein structure and function are either unavailable or do not agree on the potential impact of this missense change (SIFT: "Deleterious"; PolyPhen-2: "Probably Damaging"; Align-GVGD: "Class C0"). This variant has not been reported in the literature in individuals affected with MSH3-related conditions. This variant is not present in population databases (gnomAD no frequency). This sequence change replaces alanine, which is neutral and non-polar, with serine, which is neutral and polar, at codon 694 of the MSH3 protein (p.Ala694Ser).